The following is an entry in ClinVar:

ClinVar aggregate classification (germline): Uncertain significance (1 of 4 stars; one submission).

Conditions:
Polyglandular autoimmune syndrome, type 1 (APS1). Also called: AUTOIMMUNE POLYENDOCRINE SYNDROME, TYPE I, WITH OR WITHOUT REVERSIBLE METAPHYSEAL DYSPLASIA; APS I; Autoimmune polyendocrine syndrome type 1; Autoimmune polyendocrinopathy syndrome, type I; PGA I; HYPOADRENOCORTICISM WITH HYPOPARATHYROIDISM AND SUPERFICIAL MONILIASIS. Identifiers: Orphanet 3453, MedGen C0085859, MONDO:0009411, OMIM 240300.

Allele frequency attached by ClinVar (database versions not stated): gnomAD 0.00001; gnomAD exomes 0.00001 and 0.00003; TOPMed 0.00001; ExAC 0.00003.

Submission:

Labcorp Genetics (formerly Invitae), Labcorp
Classification: Uncertain significance for Polyglandular autoimmune syndrome, type 1. Last evaluated: 2024-12-25. Review status: criteria provided, single submitter. Criteria: Invitae Variant Classification Sherloc (09022015). Collection method: clinical testing. Allele origin: germline.
Comment: This sequence change replaces lysine, which is basic and polar, with arginine, which is basic and polar, at codon 102 of the AIRE protein (p.Lys102Arg). This variant is present in population databases (rs777675955, gnomAD 0.006%). This variant has not been reported in the literature in individuals affected with AIRE-related conditions. ClinVar contains an entry for this variant (Variation ID: 1389961). Invitae Evidence Modeling of protein sequence and biophysical properties (such as structural, functional, and spatial information, amino acid conservation, physicochemical variation, residue mobility, and thermodynamic stability) indicates that this missense variant is not expected to disrupt AIRE protein function with a negative predictive value of 95%. In summary, the available evidence is currently insufficient to determine the role of this variant in disease. Therefore, it has been classified as a Variant of Uncertain Significance.

NM_000383.4(AIRE):c.305A>G (p.Lys102Arg)

Gene: AIRE (autoimmune regulator; plus strand). Cytogenetic location: 21q22.3.
Variant type: single nucleotide variant.
Coding change: c.305A>G on transcript NM_000383.4 (MANE Select); coding-DNA position 305, A replaced by G.
Protein change: p.Lys102Arg; replaces lysine 102 with arginine.
Molecular consequence: missense variant.
Genome position (GRCh38, 1-based): chr21:44,286,729, A>G. VCF-style: chr21-44286729-A-G. GRCh37 (hg19) VCF-style: chr21-45706612-A-G.
Other names: short protein forms K102R.
Identifiers: ClinVar variation 1389961 (VCV001389961.5), dbSNP rs777675955, ClinGen allele CA10051513.